The following is an entry in ClinVar:

ClinVar aggregate classification (germline): Uncertain significance (1 of 4 stars; one submission).

Conditions:
Hereditary cancer-predisposing syndrome. Also called: Hereditary neoplastic syndrome; Hereditary Cancer Syndrome; Neoplastic Syndromes, Hereditary; Tumor predisposition. Identifiers: Orphanet 140162, MedGen C0027672, MeSH D009386, MONDO:0015356.

Submission:

Ambry Genetics
Classification: Uncertain significance for Hereditary cancer-predisposing syndrome. Last evaluated: 2023-05-21. Review status: criteria provided, single submitter. Criteria: Ambry Variant Classification Scheme 2023. Collection method: clinical testing. Allele origin: germline.
Comment: The p.Y980H variant (also known as c.2938T>C), located in coding exon 19 of the ATM gene, results from a T to C substitution at nucleotide position 2938. The tyrosine at codon 980 is replaced by histidine, an amino acid with similar properties. This amino acid position is conserved. In addition, this alteration is predicted to be tolerated by in silico analysis. Since supporting evidence is limited at this time, the clinical significance of this alteration remains unclear.

NM_000051.4(ATM):c.2938T>C (p.Tyr980His)

Gene: ATM (ATM serine/threonine kinase; plus strand). Cytogenetic location: 11q22.3.
Variant type: single nucleotide variant.
Coding change: c.2938T>C on transcript NM_000051.4 (MANE Select); coding-DNA position 2938, T replaced by C.
Protein change: p.Tyr980His; replaces tyrosine 980 with histidine.
Molecular consequence: missense variant.
Genome position (GRCh38, 1-based): chr11:108,271,267, T>C. VCF-style: chr11-108271267-T-C. GRCh37 (hg19) VCF-style: chr11-108141994-T-C.
Other names: c.2938T>C, p.Tyr980His (NM_001351834.2); short protein forms Y980H.
Identifiers: ClinVar variation 2568231 (VCV002568231.2), dbSNP rs2497685774, ClinGen allele CA382547134.